The following is an entry in ClinVar:

NM_014991.6(WDFY3):c.6246A>G (p.Arg2082=)

Gene: WDFY3 (WD repeat and FYVE domain containing 3; minus strand). Cytogenetic location: 4q21.23.
Variant type: single nucleotide variant.
Coding change: c.6246A>G on transcript NM_014991.6 (MANE Select); coding-DNA position 6246, A replaced by G.
Protein change: p.Arg2082=; no amino-acid change (arginine 2082 retained).
Molecular consequence: synonymous variant.
Genome position (GRCh38, 1-based): chr4:84,740,405, T>C on the plus strand (A>G on the coding strand, the complement: WDFY3 is on the minus strand). VCF-style: chr4-84740405-T-C. GRCh37 (hg19) VCF-style: chr4-85661558-T-C.
Identifiers: ClinVar variation 2573704 (VCV002573704.1), dbSNP rs2532088700, ClinGen allele CA440122342.
Genomic context (GRCh38, chr4:84,740,405, plus strand): 5'-CTGGTACAAGATGGTCCTATTGAGGCAATGATACACTGCATCCAGTGACAATCCCTGTGA[T>C]CTTCTCTTTGACTAAAGACATGAAAGGTATGTTTTTAGTATAATAGACAAAAGTAAAACA-3'
Protein context (NP_055806.2, residues 2072-2092): IIQLIAQSKR[Arg2082=]SQGLSLDAVY

ClinVar aggregate classification (germline): Uncertain significance (1 of 4 stars; one submission).

gnomAD v4.1: 3 of 1,614,170 alleles (0.00019%); highest among the groups gnomAD compares: Admixed American, 0.0017%; no homozygotes.

Submission:

GeneDx
Classification: Uncertain significance. Last evaluated: 2023-01-23. Review status: criteria provided, single submitter. Criteria: GeneDx Variant Classification Process June 2021. Collection method: clinical testing. Allele origin: germline. Affected: yes.
Comment: Not observed at significant frequency in large population cohorts (gnomAD); In silico analysis is inconclusive as to whether the variant alters gene splicing. In the absence of RNA/functional studies, the actual effect of this sequence change is unknown.; Has not been previously published as pathogenic or benign to our knowledge